The following is an entry in ClinVar:

ClinVar aggregate classification (germline): Uncertain significance. Review status: criteria provided, multiple submitters, no conflicts (2 of 4 stars). 2 submissions from 2 submitters: Uncertain significance (2). Last evaluated 2025-10-24.

Conditions:
Emery-Dreifuss muscular dystrophy (EDMD). Also called: Scapuloperoneal syndrome, X-linked (formerly); Humeroperoneal neuromuscular disease, (formerly). Identifiers: Orphanet 261, MedGen C0410189, MONDO:0016830.

Allele frequency attached by ClinVar (database versions not stated): gnomAD exomes 0.00001 and 0.00005; ExAC 0.00004; gnomAD 0.00007; ESP Exome Variant Server 0.00008; TOPMed 0.00010; 1000 Genomes Project 0.00020; 1000 Genomes Project 30x 0.00031.
gnomAD v4.1: 25 of 1,614,234 alleles (0.0015%); highest among the groups gnomAD compares: African/African-American, 0.032%; no homozygotes.

Submissions (2):

Labcorp Genetics (formerly Invitae), Labcorp
Classification: Uncertain significance for Emery-Dreifuss muscular dystrophy. Last evaluated: 2025-10-24. Review status: criteria provided, single submitter. Criteria: Invitae Variant Classification Sherloc (09022015). Collection method: clinical testing. Allele origin: germline.
Comment: This sequence change replaces leucine, which is neutral and non-polar, with proline, which is neutral and non-polar, at codon 559 of the SUN1 protein (p.Leu559Pro). This variant is present in population databases (rs370324367, gnomAD 0.05%). This variant has not been reported in the literature in individuals affected with SUN1-related conditions. ClinVar contains an entry for this variant (Variation ID: 1359043). An algorithm developed to predict the effect of missense changes on protein structure and function (PolyPhen-2) suggests that this variant is likely to be disruptive. In summary, the available evidence is currently insufficient to determine the role of this variant in disease. Therefore, it has been classified as a Variant of Uncertain Significance.

Ambry Genetics
Classification: Uncertain significance. Last evaluated: 2024-09-10. Review status: criteria provided, single submitter. Criteria: Ambry Variant Classification Scheme 2023. Collection method: clinical testing. Allele origin: germline.

NM_001130965.3(SUN1):c.1676T>C (p.Leu559Pro)

Gene: SUN1 (Sad1 and UNC84 domain containing 1; plus strand). Cytogenetic location: 7p22.3.
Variant type: single nucleotide variant.
Coding change: c.1676T>C on transcript NM_001130965.3 (MANE Select); coding-DNA position 1676, T replaced by C.
Protein change: p.Leu559Pro; replaces leucine 559 with proline.
Molecular consequence: missense variant. On other transcripts: non-coding transcript variant (3).
Genome position (GRCh38, 1-based): chr7:860,279, T>C. VCF-style: chr7-860279-T-C. GRCh37 (hg19) VCF-style: chr7-899916-T-C.
Other names: c.1826T>C, p.Leu609Pro (NM_001367675.1); c.1859T>C, p.Leu620Pro (NM_001367676.1); c.1982T>C, p.Leu661Pro (NM_001367677.1); c.2066T>C, p.Leu689Pro (NM_001367678.1, NM_001367699.1); c.1634T>C, p.Leu545Pro (NM_001367679.1); c.1610T>C, p.Leu537Pro (NM_001367680.1); c.1724T>C, p.Leu575Pro (NM_001367681.1, NM_001367645.1); c.1958T>C, p.Leu653Pro (NM_001367682.1, NM_001367641.1); and 44 more; short protein forms L370P, L548P, L575P, L585P, L639P, L697P, L321P, L456P.
Identifiers: ClinVar variation 1359043 (VCV001359043.7), dbSNP rs370324367, ClinGen allele CA4112327.